The following is an entry in ClinVar:

ClinVar aggregate classification (germline): Likely benign. Review status: criteria provided, multiple submitters, no conflicts (2 of 4 stars). 2 submissions from 2 submitters: Likely benign (2). Last evaluated 2024-12-18.

Conditions:
Fanconi anemia (FA). Also called: Fanconi's anemia. Identifiers: Orphanet 84, MedGen C0015625, MeSH D005199, MONDO:0019391.
FANCB-related disorder. Also called: FANCB-related condition.

Allele frequency attached by ClinVar (database versions not stated): gnomAD 0.00001; ExAC 0.00002; gnomAD exomes 0.00002 and 0.00008; TOPMed 0.00002; ESP Exome Variant Server 0.00009.
gnomAD v4.1: 87 of 1,202,696 alleles (0.0072%); highest among the groups gnomAD compares: Non-Finnish European, 0.0093%; no homozygotes.

Submissions (2):

Labcorp Genetics (formerly Invitae), Labcorp
Classification: Likely benign for Fanconi anemia. Last evaluated: 2024-12-18. Review status: criteria provided, single submitter. Criteria: Invitae Variant Classification Sherloc (09022015). Collection method: clinical testing. Allele origin: germline.

PreventionGenetics, part of Exact Sciences
Classification: Likely benign for FANCB-related condition. Last evaluated: 2024-10-31. Review status: criteria provided, single submitter. Criteria: ACMG Guidelines, 2015. Collection method: clinical testing. Allele origin: germline.
Comment: This variant is classified as likely benign based on ACMG/AMP sequence variant interpretation guidelines (Richards et al. 2015 PMID: 25741868, with internal and published modifications).

NM_001018113.3(FANCB):c.1894T>G (p.Tyr632Asp)

Gene: FANCB (FA complementation group B; minus strand). Cytogenetic location: Xp22.2.
Variant type: single nucleotide variant.
Coding change: c.1894T>G on transcript NM_001018113.3 (MANE Select); coding-DNA position 1894, T replaced by G.
Protein change: p.Tyr632Asp; replaces tyrosine 632 with aspartic acid.
Molecular consequence: missense variant.
Genome position (GRCh38, 1-based): chrX:14,844,889, A>C on the plus strand (T>G on the coding strand, the complement: FANCB is on the minus strand). VCF-style: chrX-14844889-A-C. GRCh37 (hg19) VCF-style: chrX-14863011-A-C.
Other names: c.1894T>G (NM_001018113.2); c.1894T>G, p.Tyr632Asp (NM_001324162.2, NM_152633.4); short protein forms Y632D.
Identifiers: ClinVar variation 1149390 (VCV001149390.11), dbSNP rs149387792, ClinGen allele CA10352994.
Genomic context (GRCh38, chrX:14,844,889, plus strand): 5'-ATAATCTAAAAGTGCCAACAAAATTACCTATAGGTTTCTTCTTTGGAAATGTCAGTAGGT[A>C]CTTCCCAGTTGAAAGATCTTCTAGACTTAAAAAAACTCTGCCACACACAACATAACGATC-3'
Protein context (NP_001018123.1, residues 622-642): LSLEDLSTGK[Tyr632Asp]LLTFPKKKPI